The following is an entry in ClinVar:

ClinVar aggregate classification (germline): Uncertain significance. Review status: criteria provided, multiple submitters, no conflicts (2 of 4 stars). 4 submissions from 4 submitters: Uncertain significance (4). Last evaluated 2026-05-22.

Conditions:
Autoimmune lymphoproliferative syndrome type 2A (ALPS2A). Also called: CASP10-Related Autoimmune Lymphoproliferative Syndrome; AUTOIMMUNE LYMPHOPROLIFERATIVE SYNDROME, TYPE IIA; Autoimmune lymphoproliferative syndrome type 2. Identifiers: Orphanet 3261, MedGen C1858968, MONDO:0011383, OMIM 603909.
CASP10-related disorder. Also called: CASP10-related condition.

Allele frequency attached by ClinVar (database versions not stated): gnomAD 0.00001; TOPMed 0.00002.
gnomAD v4.1: 24 of 1,613,360 alleles (0.0015%); highest among the groups gnomAD compares: East Asian, 0.013%; no homozygotes.

Submissions (4):

PreventionGenetics, part of Exact Sciences
Classification: Uncertain significance for CASP10-related condition. Last evaluated: 2026-05-22. Review status: criteria provided, single submitter. Criteria: ACMG Guidelines, 2015. Collection method: clinical testing. Allele origin: germline.
Comment: The CASP10 c.664A>G variant is predicted to result in the amino acid substitution p.Thr222Ala. To our knowledge, this variant has not been reported in the literature. This variant is reported in 0.025% of alleles in individuals of East Asian descent in gnomAD. At this time, the clinical significance of this variant is uncertain due to the absence of conclusive functional and genetic evidence.

Labcorp Genetics (formerly Invitae), Labcorp
Classification: Uncertain significance for Autoimmune lymphoproliferative syndrome type 2A. Last evaluated: 2025-11-03. Review status: criteria provided, single submitter. Criteria: Invitae Variant Classification Sherloc (09022015). Collection method: clinical testing. Allele origin: germline.
Comment: This sequence change replaces threonine, which is neutral and polar, with alanine, which is neutral and non-polar, at codon 222 of the CASP10 protein (p.Thr222Ala). This variant is present in population databases (rs763551197, gnomAD 0.03%). This variant has not been reported in the literature in individuals affected with CASP10-related conditions. ClinVar contains an entry for this variant (Variation ID: 661386). An algorithm developed to predict the effect of missense changes on protein structure and function (PolyPhen-2) suggests that this variant is likely to be tolerated. In summary, the available evidence is currently insufficient to determine the role of this variant in disease. Therefore, it has been classified as a Variant of Uncertain Significance.

Ambry Genetics
Classification: Uncertain significance. Last evaluated: 2025-08-31. Review status: criteria provided, single submitter. Criteria: Ambry Variant Classification Scheme 2023. Collection method: clinical testing. Allele origin: germline.

Baylor Genetics
Classification: Uncertain significance for Autoimmune lymphoproliferative syndrome type 2A. Last evaluated: 2019-01-09. Review status: criteria provided, single submitter. Criteria: ACMG Guidelines, 2015. Collection method: clinical testing. Allele origin: unknown. Affected: yes.
Comment: This variant was determined to be of uncertain significance according to ACMG Guidelines, 2015 [PMID:25741868].

NM_032977.4(CASP10):c.664A>G (p.Thr222Ala)

Gene: CASP10 (caspase 10; plus strand). Cytogenetic location: 2q33.1.
Variant type: single nucleotide variant.
Coding change: c.664A>G on transcript NM_032977.4 (MANE Select); coding-DNA position 664, A replaced by G.
Protein change: p.Thr222Ala; replaces threonine 222 with alanine.
Molecular consequence: missense variant.
Genome position (GRCh38, 1-based): chr2:201,195,928, A>G. VCF-style: chr2-201195928-A-G. GRCh37 (hg19) VCF-style: chr2-202060651-A-G.
Other names: c.664A>G, p.Thr222Ala (NM_001206524.2, NM_001206542.2, NM_001230.5 and 3 more transcripts); short protein forms T222A.
Identifiers: ClinVar variation 661386 (VCV000661386.15), dbSNP rs763551197, ClinGen allele CA2052940.